The following is an entry in ClinVar:

NM_153676.4(USH1C):c.586C>T (p.Arg196Ter)

Gene: USH1C (USH1 protein network component harmonin; minus strand). Cytogenetic location: 11p15.1.
Variant type: single nucleotide variant.
Coding change: c.586C>T on transcript NM_153676.4 (MANE Select); coding-DNA position 586, C replaced by T.
Protein change: p.Arg196Ter; replaces arginine 196 with a stop codon.
Molecular consequence: nonsense. On other transcripts: non-coding transcript variant (1).
Genome position (GRCh38, 1-based): chr11:17,526,435, G>A on the plus strand (C>T on the coding strand, the complement: USH1C is on the minus strand). VCF-style: chr11-17526435-G-A. GRCh37 (hg19) VCF-style: chr11-17547982-G-A.
Other names: c.586C>T, p.Arg196Ter (NM_001297764.2, NM_005709.4); short protein forms R196*.
Identifiers: ClinVar variation 1031570 (VCV001031570.10), dbSNP rs1290295453, ClinGen allele CA379793767.

ClinVar aggregate classification (germline): Pathogenic. Review status: criteria provided, multiple submitters, no conflicts (2 of 4 stars). 2 submissions from 2 submitters: Pathogenic (2). Last evaluated 2026-01-08.

Conditions:
Autosomal recessive nonsyndromic hearing loss 18A. Also called: DEAFNESS, AUTOSOMAL RECESSIVE 18; Deafness, autosomal recessive 18A. Identifiers: Orphanet 90636, MedGen C1865870, MONDO:0011192, OMIM 602092.

Allele frequency attached by ClinVar (database versions not stated): TOPMed below 0.00001; gnomAD exomes 0.00001.
gnomAD v4.1: 13 of 1,613,806 alleles (0.00081%); highest among the groups gnomAD compares: Non-Finnish European, 0.001%; no homozygotes.

Submissions (2):

Labcorp Genetics (formerly Invitae), Labcorp
Classification: Pathogenic. Last evaluated: 2026-01-08. Review status: criteria provided, single submitter. Criteria: Invitae Variant Classification Sherloc (09022015). Collection method: clinical testing. Allele origin: germline.
Comment: This sequence change creates a premature translational stop signal (p.Arg196*) in the USH1C gene. It is expected to result in an absent or disrupted protein product. Loss-of-function variants in USH1C are known to be pathogenic (PMID: 10973247, 17407589, 20301442, 21203349). The frequency data for this variant in the population databases is considered unreliable, as metrics indicate poor data quality at this position in the gnomAD database. This premature translational stop signal has been observed in individual(s) with clinical features of USH1C-related conditions (PMID: 27460420, 27848944). ClinVar contains an entry for this variant (Variation ID: 1031570). For these reasons, this variant has been classified as Pathogenic.

Baylor Genetics
Classification: Pathogenic for Autosomal recessive nonsyndromic hearing loss 18A. Last evaluated: 2023-04-02. Review status: criteria provided, single submitter. Criteria: ACMG Guidelines, 2015. Collection method: clinical testing. Allele origin: unknown.

Literature cited by the submitters: PubMed 10973247 (cited by Labcorp Genetics (formerly Invitae), Labcorp); PubMed 17407589 (cited by Labcorp Genetics (formerly Invitae), Labcorp); PubMed 20301442 (cited by Labcorp Genetics (formerly Invitae), Labcorp); PubMed 21203349 (cited by Labcorp Genetics (formerly Invitae), Labcorp); PubMed 27460420 (cited by Labcorp Genetics (formerly Invitae), Labcorp); PubMed 27848944 (cited by Labcorp Genetics (formerly Invitae), Labcorp).